The following is an entry in ClinVar:

ClinVar aggregate classification (germline): Likely pathogenic. Review status: criteria provided, single submitter (1 of 4 stars). 2 submissions from 2 submitters: Likely pathogenic (1). 1 of the submissions does not count toward it. Last evaluated 2025-09-15.

Conditions:
ASAH1-related disorders. Also called: ASAH1-related condition; ASAH1-related disorder. Identifiers: MedGen CN376120, MONDO:0800460.

Allele frequency attached by ClinVar (database versions not stated): ExAC 0.00001; gnomAD exomes 0.00001 and 0.00002; TOPMed 0.00001.
gnomAD v4.1: 5 of 1,607,780 alleles (0.00031%); highest among the groups gnomAD compares: Admixed American, 0.0083%; no homozygotes.

Submissions (2):

Labcorp Genetics (formerly Invitae), Labcorp
Classification: Likely pathogenic. Last evaluated: 2025-09-15. Review status: criteria provided, single submitter. Criteria: Invitae Variant Classification Sherloc (09022015). Collection method: clinical testing. Allele origin: germline.
Comment: This sequence change affects a donor splice site in intron 10 of the ASAH1 gene. It is expected to disrupt RNA splicing. Variants that disrupt the donor or acceptor splice site typically lead to a loss of protein function (PMID: 16199547), and loss-of-function variants in ASAH1 are known to be pathogenic (PMID: 24164096, 24355074). This variant is present in population databases (rs754659903, gnomAD 0.01%). This variant has not been reported in the literature in individuals affected with ASAH1-related conditions. ClinVar contains an entry for this variant (Variation ID: 1470866). Algorithms developed to predict the effect of sequence changes on RNA splicing suggest that this variant may disrupt the consensus splice site. In summary, the currently available evidence indicates that the variant is pathogenic, but additional data are needed to prove that conclusively. Therefore, this variant has been classified as Likely Pathogenic.

PreventionGenetics, part of Exact Sciences
Classification: Likely pathogenic for ASAH1-related condition. Last evaluated: 2024-09-23. Review status: no assertion criteria provided. Collection method: clinical testing. Allele origin: germline. Not counted in ClinVar's aggregate classification.
Comment: The ASAH1 c.833+2T>C variant is predicted to disrupt the GT donor site and interfere with normal splicing. To our knowledge, this variant has not been reported in the literature. This variant is reported in 0.014% of alleles in individuals of Latino descent in gnomAD. Variants that disrupt the consensus splice donor site in ASAH1 are expected to be pathogenic. This variant is interpreted as likely pathogenic.

Literature cited by the submitters: PubMed 16199547 (cited by Labcorp Genetics (formerly Invitae), Labcorp); PubMed 24164096 (cited by Labcorp Genetics (formerly Invitae), Labcorp); PubMed 24355074 (cited by Labcorp Genetics (formerly Invitae), Labcorp).

NM_177924.5(ASAH1):c.785+2T>C

Gene: ASAH1 (N-acylsphingosine amidohydrolase 1; minus strand). Cytogenetic location: 8p22.
Variant type: single nucleotide variant.
Coding change: c.785+2T>C on transcript NM_177924.5 (MANE Select); the canonical splice donor site of the intron after coding-DNA position 785, T replaced by C.
Molecular consequence: splice donor variant.
Genome position (GRCh38, 1-based): chr8:18,061,375, A>G on the plus strand (T>C on the coding strand, the complement: ASAH1 is on the minus strand). VCF-style: chr8-18061375-A-G. GRCh37 (hg19) VCF-style: chr8-17918884-A-G.
Other names: c.833+2T>C (NM_004315.5, NM_004315.6); c.767+2T>C (NM_001127505.3); c.590+2T>C (NM_001363743.2).
Identifiers: ClinVar variation 1470866 (VCV001470866.7), dbSNP rs754659903, ClinGen allele CA4650685.